The following is an entry in ClinVar:

ClinVar aggregate classification (germline): Conflicting classifications of pathogenicity. Review status: criteria provided, conflicting classifications (1 of 4 stars). 6 submissions from 3 submitters: Uncertain significance (4); Likely benign (1). 1 of the submissions does not count toward it. Last evaluated 2025-01-13.

Conditions:
FGFR1-related disorder. Also called: FGFR1-related disorders; FGFR1-related condition. Identifiers: MedGen CN380097.
Osteoglophonic dysplasia (OGD). Also called: Osteoglophonic dwarfism. Identifiers: Orphanet 2645, MedGen C0432283, MONDO:0008150, OMIM 166250.
Pfeiffer syndrome (ACS5). Also called: ACS V. Identifiers: Orphanet 710, MedGen C0220658, MONDO:0007043, OMIM 101600.
Hypogonadotropic hypogonadism 2 with or without anosmia (HH2). Also called: HYPOGONADOTROPIC HYPOGONADISM 2 WITH OR WITHOUT ANOSMIA, SUSCEPTIBILITY TO; HYPOGONADOTROPIC HYPOGONADISM 2 WITHOUT ANOSMIA, SUSCEPTIBILITY TO; FGFR1-Related GnRH Deficiency (Kallmann Syndrome 2); HYPOGONADOTROPIC HYPOGONADISM 2 WITHOUT ANOSMIA. Identifiers: Orphanet 478, MedGen C1563720, MONDO:0007844, OMIM 147950. Disease mechanism: loss of function.
Craniosynostosis syndrome. Also called: Craniosynostosis. Identifiers: Orphanet 1531, MedGen C0010278, MeSH D003398, MONDO:0015469, HP:0001363.
Trigonocephaly 1 (TRIGNO1). Identifiers: Orphanet 3366, MedGen C0432122, MONDO:0008603, OMIM 190440.

Allele frequency attached by ClinVar (database versions not stated): gnomAD exomes 0.00001; gnomAD 0.00002; TOPMed 0.00003.
gnomAD v4.1: 25 of 1,614,122 alleles (0.0015%); highest among the groups gnomAD compares: Non-Finnish European, 0.0019%; no homozygotes.

Submissions (6):

Labcorp Genetics (formerly Invitae), Labcorp
Classification: Likely benign for Pfeiffer syndrome; Hypogonadotropic hypogonadism 2 with or without anosmia. Last evaluated: 2025-01-13. Review status: criteria provided, single submitter. Criteria: Invitae Variant Classification Sherloc (09022015). Collection method: clinical testing. Allele origin: germline.

Illumina Laboratory Services, Illumina
Classification: Uncertain significance for Craniosynostosis. Last evaluated: 2018-01-12. Review status: criteria provided, single submitter. Criteria: ICSL Variant Classification Criteria 13 December 2019. Collection method: clinical testing. Allele origin: germline.

Illumina Laboratory Services, Illumina
Classification: Uncertain significance for Trigonocephaly 1. Last evaluated: 2018-01-12. Review status: criteria provided, single submitter. Criteria: ICSL Variant Classification Criteria 13 December 2019. Collection method: clinical testing. Allele origin: germline.

Illumina Laboratory Services, Illumina
Classification: Uncertain significance for Hypogonadotropic hypogonadism 2 with or without anosmia. Last evaluated: 2018-01-12. Review status: criteria provided, single submitter. Criteria: ICSL Variant Classification Criteria 13 December 2019. Collection method: clinical testing. Allele origin: germline.

Illumina Laboratory Services, Illumina
Classification: Uncertain significance for Osteoglophonic dysplasia. Last evaluated: 2018-01-12. Review status: criteria provided, single submitter. Criteria: ICSL Variant Classification Criteria 13 December 2019. Collection method: clinical testing. Allele origin: germline.

PreventionGenetics, part of Exact Sciences
Classification: Likely benign for FGFR1-related condition. Last evaluated: 2023-01-12. Review status: no assertion criteria provided. Collection method: clinical testing. Allele origin: germline. Not counted in ClinVar's aggregate classification.
Comment: This variant is classified as likely benign based on ACMG/AMP sequence variant interpretation guidelines (Richards et al. 2015 PMID: 25741868, with internal and published modifications).

NM_023110.3(FGFR1):c.549C>T (p.Thr183=)

Gene: FGFR1 (fibroblast growth factor receptor 1; minus strand). Cytogenetic location: 8p11.23.
Variant type: single nucleotide variant.
Coding change: c.549C>T on transcript NM_023110.3 (MANE Select); coding-DNA position 549, C replaced by T.
Protein change: p.Thr183=; no amino-acid change (threonine 183 retained).
Molecular consequence: synonymous variant.
Genome position (GRCh38, 1-based): chr8:38,427,993, G>A on the plus strand (C>T on the coding strand, the complement: FGFR1 is on the minus strand). VCF-style: chr8-38427993-G-A. GRCh37 (hg19) VCF-style: chr8-38285511-G-A.
Other names: c.549C>T, p.Thr183= (NM_001174063.2); c.525C>T, p.Thr175= (NM_001174064.2); c.543C>T, p.Thr181= (NM_001174065.2, NM_001354367.2, NM_001354369.2 and 1 more transcripts); c.282C>T, p.Thr94= (NM_001174066.2, NM_023105.3); c.642C>T, p.Thr214= (NM_001174067.2); c.276C>T, p.Thr92= (NM_001354368.2, NM_001354370.2, NM_023106.3).
Identifiers: ClinVar variation 362902 (VCV000362902.13), dbSNP rs886062920, ClinGen allele CA10627741.